The following is an entry in ClinVar:

NM_015884.4(MBTPS2):c.61G>A (p.Asp21Asn)

Genes: MBTPS2 (membrane bound transcription factor peptidase, site 2; plus strand), LOC130068039 (ATAC-STARR-seq lymphoblastoid active region 29486; plus strand). Cytogenetic location: Xp22.12.
Variant type: single nucleotide variant.
Coding change: c.61G>A on transcript NM_015884.4 (MANE Select); coding-DNA position 61, G replaced by A.
Protein change: p.Asp21Asn; replaces aspartic acid 21 with asparagine.
Molecular consequence: missense variant.
Genome position (GRCh38, 1-based): chrX:21,839,795, G>A. VCF-style: chrX-21839795-G-A. GRCh37 (hg19) VCF-style: chrX-21857913-G-A.
Other names: short protein forms D21N.
Identifiers: ClinVar variation 4747552 (VCV004747552.1).

ClinVar aggregate classification (germline): Uncertain significance (1 of 4 stars; one submission).

Submission:

Labcorp Genetics (formerly Invitae), Labcorp
Classification: Uncertain significance. Last evaluated: 2025-08-05. Review status: criteria provided, single submitter. Criteria: Invitae Variant Classification Sherloc (09022015). Collection method: clinical testing. Allele origin: germline.
Comment: This sequence change replaces aspartic acid, which is acidic and polar, with asparagine, which is neutral and polar, at codon 21 of the MBTPS2 protein (p.Asp21Asn). This variant is not present in population databases (gnomAD no frequency). This variant has not been reported in the literature in individuals affected with MBTPS2-related conditions. Invitae Evidence Modeling of protein sequence and biophysical properties (such as structural, functional, and spatial information, amino acid conservation, physicochemical variation, residue mobility, and thermodynamic stability) has been performed for this missense variant. However, the output from this modeling did not meet the statistical confidence thresholds required to predict the impact of this variant on MBTPS2 protein function. In summary, the available evidence is currently insufficient to determine the role of this variant in disease. Therefore, it has been classified as a Variant of Uncertain Significance.